The following is an entry in ClinVar:

ClinVar aggregate classification (germline): Pathogenic (1 of 4 stars; one submission).

Submission:

Quest Diagnostics Nichols Institute San Juan Capistrano
Classification: Pathogenic. Last evaluated: 2022-08-03. Review status: criteria provided, single submitter. Criteria: ACMG/ClinGen CNV Guidelines, 2019. Collection method: clinical testing. Allele origin: unknown.
Comment: The copy number gain of 12q24.31q24.33 falls within the larger 12q duplication region and has been reported in many patients with neurodevelopmental and skeletal phenotypes (Tajara 1985, Rodriguez 2002, Ireland 2004, Bao 2005, Chen 2006, Joaquim 2020). There are no similar copy number gains of this region in the general populations of the Database of Genomic Variants. Thus, based on current medical literature and gene content, this copy number variant (CNV) is interpreted as pathogenic._x000D__x000D_ References:_x000D__x000D_ Bao et al., Am J Med Genet A. 2005 Nov 1;138(4):361-4. PMID: 16222678_x000D__x000D_ Chen et al., Prenat Diagn. 2006 Apr;26(4):313-20. PMID: 16506269_x000D__x000D_ Ireland et al., Am J Med Genet A. 2004 Jul 30;128A(3):305-10. PMID: 15216553_x000D__x000D_ Joaquim et al., Mol Syndromol. 2020 Jan;10(5):264-271. PMID: 32021597_x000D__x000D_ Rodriguez et al., Am J Med Genet A. 2003 Oct 1;122A(2):119-24. PMID: 12955763_x000D__x000D_ Tajara et al., J Med Genet. 1985 Feb;22(1):73-6. PMID: 3981585

GRCh37/hg19 12q24.31-24.33(chr12:120880079-133777902)x3

Genes: FBRSL1 (fibrosin like 1; plus strand), FZD10 (frizzled class receptor 10; plus strand), GATC (glutamyl-tRNA amidotransferase subunit C; plus strand), GTF2H3 (general transcription factor IIH subunit 3; plus strand), HCAR1 (hydroxycarboxylic acid receptor 1; minus strand) and 105 more. Cytogenetic location: 12q24.31-24.33.
Variant type: copy number gain.
Change: copy number 3 (three copies instead of two) of chr12:120,880,079-133,777,902 (12.90 Mb, GRCh37 coordinates, 1-based), cytogenetic band 12q24.31-24.33.
Identifiers: ClinVar variation 2684684 (VCV002684684.1).